The following is an entry in ClinVar:

NM_201384.3(PLEC):c.6373G>T (p.Ala2125Ser)

Gene: PLEC (plectin; minus strand). Cytogenetic location: 8q24.3.
Variant type: single nucleotide variant.
Coding change: c.6373G>T on transcript NM_201384.3 (MANE Select); coding-DNA position 6373, G replaced by T.
Protein change: p.Ala2125Ser; replaces alanine 2125 with serine.
Molecular consequence: missense variant. On other transcripts: intron variant (1).
Genome position (GRCh38, 1-based): chr8:143,923,556, C>A on the plus strand (G>T on the coding strand, the complement: PLEC is on the minus strand). VCF-style: chr8-143923556-C-A. GRCh37 (hg19) VCF-style: chr8-144997724-C-A.
Other names: c.6454G>T, p.Ala2152Ser (NM_000445.5); c.6331G>T, p.Ala2111Ser (NM_201378.4); c.6307G>T, p.Ala2103Ser (NM_201379.3); c.6784G>T, p.Ala2262Ser (NM_201380.4); c.6277G>T, p.Ala2093Ser (NM_201381.3); c.6373G>T, p.Ala2125Ser (NM_201382.4); c.6385G>T, p.Ala2129Ser (NM_201383.3); c.4126-1161G>T (NM_001410941.1); short protein forms A2093S, A2103S, A2111S, A2125S, A2129S, A2152S, A2262S.
Identifiers: ClinVar variation 3760102 (VCV003760102.2).
Genomic context (GRCh38, chr8:143,923,556, plus strand): 5'-CTTGCTCGGCCTCCTTGCGCAGCTTCTCTGCAGCCGCCTGTGCCTGAGCCCGGGCCTGTG[C>A]CTGCTCCTCTGCCGACTGCTTCAGCCGCTCGGCCTCTTCCACCTGCCGCCGGGACTGCGC-3'
Protein context (NP_958786.1, residues 2115-2135): ERLKQSAEEQ[Ala2125Ser]QARAQAQAAA

ClinVar aggregate classification (germline): Uncertain significance (1 of 4 stars; one submission).

Conditions:
Epidermolysis bullosa simplex with nail dystrophy (EBS5D). Identifiers: MedGen C4225309, MONDO:0014661, OMIM 616487.
Epidermolysis bullosa simplex, Ogna type (EBS5A). Also called: EPIDERMOLYSIS BULLOSA SIMPLEX 5A, OGNA TYPE; Pidermolysis bullosa simplex 5A, Ogna type. Identifiers: Orphanet 79401, MedGen C0432317, MONDO:0007555, OMIM 131950.
Autosomal recessive limb-girdle muscular dystrophy type 2Q (LGMDR17). Also called: MUSCULAR DYSTROPHY, LIMB-GIRDLE, AUTOSOMAL RECESSIVE 17. Identifiers: Orphanet 254361, MedGen C3150989, MONDO:0013390, OMIM 613723.
Epidermolysis bullosa simplex 5B, with muscular dystrophy (EBS5B). Also called: EPIDERMOLYSIS BULLOSA SIMPLEX AND LIMB-GIRDLE MUSCULAR DYSTROPHY; Epidermolysis bullosa simplex with muscular dystrophy. Identifiers: Orphanet 257, MedGen C2931072, MONDO:0009181, OMIM 226670.
Epidermolysis bullosa simplex 5C, with pyloric atresia (EBS5C). Also called: PLEC1-Related Epidermolysis Bullosa with Pyloric Atresia; PLEC-Related Epidermolysis Bullosa with Pyloric Atresia; Epidermolysis bullosa simplex with pyloric atresia. Identifiers: Orphanet 158684, MedGen C2677349, MONDO:0012807, OMIM 612138.

Submission:

Labcorp Genetics (formerly Invitae), Labcorp
Classification: Uncertain significance for Autosomal recessive limb-girdle muscular dystrophy type 2Q; Epidermolysis bullosa simplex, Ogna type; Epidermolysis bullosa simplex with nail dystrophy; Epidermolysis bullosa simplex 5C, with pyloric atresia; Epidermolysis bullosa simplex 5B, with muscular dystrophy. Last evaluated: 2024-12-18. Review status: criteria provided, single submitter. Criteria: Invitae Variant Classification Sherloc (09022015). Collection method: clinical testing. Allele origin: germline.
Comment: This sequence change replaces alanine, which is neutral and non-polar, with serine, which is neutral and polar, at codon 2152 of the PLEC protein (p.Ala2152Ser). This variant is not present in population databases (gnomAD no frequency). This variant has not been reported in the literature in individuals affected with PLEC-related conditions. An algorithm developed to predict the effect of missense changes on protein structure and function (PolyPhen-2) suggests that this variant is likely to be tolerated. In summary, the available evidence is currently insufficient to determine the role of this variant in disease. Therefore, it has been classified as a Variant of Uncertain Significance.